The following is an entry in ClinVar:

ClinVar aggregate classification (germline): Uncertain significance. Review status: criteria provided, multiple submitters, no conflicts (2 of 4 stars). 2 submissions from 2 submitters: Uncertain significance (2). Last evaluated 2026-02-16.

Conditions:
Familial cancer of breast. Also called: BREAST CANCER, FAMILIAL; Hereditary breast cancer; hereditary breast carcinoma. Identifiers: Orphanet 227535, MedGen C0346153, MONDO:0016419, OMIM 114480. Disease mechanism: loss of function.
Hereditary cancer-predisposing syndrome. Also called: Neoplastic Syndromes, Hereditary; Tumor predisposition; Hereditary Cancer Syndrome; Hereditary neoplastic syndrome. Identifiers: Orphanet 140162, MedGen C0027672, MeSH D009386, MONDO:0015356.

Submissions (2):

Ambry Genetics
Classification: Uncertain significance for Hereditary cancer-predisposing syndrome. Last evaluated: 2026-02-16. Review status: criteria provided, single submitter. Criteria: Ambry Variant Classification Scheme 2023. Collection method: clinical testing. Allele origin: germline.
Comment: The p.V1094A variant (also known as c.3281T>C), located in coding exon 12 of the PALB2 gene, results from a T to C substitution at nucleotide position 3281. The valine at codon 1094 is replaced by alanine, an amino acid with similar properties. This amino acid position is conserved. In addition, this alteration is predicted to be tolerated by in silico analysis. Based on the available evidence, the clinical significance of this variant remains unclear.

Labcorp Genetics (formerly Invitae), Labcorp
Classification: Uncertain significance for Familial cancer of breast. Last evaluated: 2025-03-30. Review status: criteria provided, single submitter. Criteria: Invitae Variant Classification Sherloc (09022015). Collection method: clinical testing. Allele origin: germline.
Comment: This sequence change replaces valine, which is neutral and non-polar, with alanine, which is neutral and non-polar, at codon 1094 of the PALB2 protein (p.Val1094Ala). This variant is not present in population databases (gnomAD no frequency). This variant has not been reported in the literature in individuals affected with PALB2-related conditions. An algorithm developed to predict the effect of missense changes on protein structure and function outputs the following: PolyPhen-2: "Benign". The alanine amino acid residue is found in multiple mammalian species, which suggests that this missense change does not adversely affect protein function. In summary, the available evidence is currently insufficient to determine the role of this variant in disease. Therefore, it has been classified as a Variant of Uncertain Significance.

NM_024675.4(PALB2):c.3281T>C (p.Val1094Ala)

Gene: PALB2 (partner and localizer of BRCA2; minus strand). Cytogenetic location: 16p12.2.
Variant type: single nucleotide variant.
Coding change: c.3281T>C on transcript NM_024675.4 (MANE Select); coding-DNA position 3281, T replaced by C.
Protein change: p.Val1094Ala; replaces valine 1094 with alanine.
Molecular consequence: missense variant. On other transcripts: intron variant (8).
Genome position (GRCh38, 1-based): chr16:23,607,933, A>G on the plus strand (T>C on the coding strand, the complement: PALB2 is on the minus strand). VCF-style: chr16-23607933-A-G. GRCh37 (hg19) VCF-style: chr16-23619254-A-G.
Other names: c.3221T>C, p.Val1074Ala (NM_001407296.1); c.3209T>C, p.Val1070Ala (NM_001407297.1); c.3119T>C, p.Val1040Ala (NM_001407298.1); c.3002T>C, p.Val1001Ala (NM_001407300.1); c.2396T>C, p.Val799Ala (NM_001407304.1, NM_001407305.1, NM_001407306.1); c.2234T>C, p.Val745Ala (NM_001407307.1); c.1493T>C, p.Val498Ala (NM_001407312.1); c.815T>C, p.Val272Ala (NM_001407314.1); and 6 more; short protein forms V1001A, V1070A, V1074A, V1094A, V498A, V799A, V1040A, V272A.
Identifiers: ClinVar variation 4716292 (VCV004716292.2).
Genomic context (GRCh38, chr16:23,607,933, plus strand): 5'-TGCCCTGGAGGAAGACAGTACAGCATCACACCCACGCTGAGAGTCGTCTTAGGGTTAATC[A>G]CAATGAGCTGAAACACAGGGCTTCGCAACGACTCACTCTCTTTGGCACAGGGATGACTCA-3'
Protein context (NP_078951.2, residues 1084-1104): SLRSPVFQLI[Val1094Ala]INPKTTLSVG